The following is an entry in ClinVar:

ClinVar aggregate classification (germline): Uncertain significance (1 of 4 stars; one submission).

Submission:

GeneDx
Classification: Uncertain significance. Last evaluated: 2024-05-01. Review status: criteria provided, single submitter. Criteria: GeneDx Variant Classification Process June 2021. Collection method: clinical testing. Allele origin: germline. Affected: yes.
Comment: Not observed at significant frequency in large population cohorts (gnomAD); In silico analysis indicates that this missense variant does not alter protein structure/function; Has not been previously published as pathogenic or benign to our knowledge

NM_014727.3(KMT2B):c.3295G>A (p.Gly1099Ser)

Gene: KMT2B (lysine methyltransferase 2B; plus strand). Cytogenetic location: 19q13.12.
Variant type: single nucleotide variant.
Coding change: c.3295G>A on transcript NM_014727.3 (MANE Select); coding-DNA position 3295, G replaced by A.
Protein change: p.Gly1099Ser; replaces glycine 1099 with serine.
Molecular consequence: missense variant.
Genome position (GRCh38, 1-based): chr19:35,723,968, G>A. VCF-style: chr19-35723968-G-A. GRCh37 (hg19) VCF-style: chr19-36214869-G-A.
Other names: short protein forms G1099S.
Identifiers: ClinVar variation 3373364 (VCV003373364.1).